The following is an entry in ClinVar:

ClinVar aggregate classification (germline): Uncertain significance. Review status: criteria provided, multiple submitters, no conflicts (2 of 4 stars). 5 submissions from 5 submitters: Uncertain significance (5). Last evaluated 2026-01-05.

Conditions:
Cardiovascular phenotype. Identifiers: MedGen CN230736.
Cardiomyopathy (CMYO). Also called: Cardiomyopathies. Identifiers: Orphanet 167848, MedGen C0878544, MONDO:0004994, HP:0001638. Inheritance: Various modes of inheritance.
Catecholaminergic polymorphic ventricular tachycardia 1. Also called: VENTRICULAR TACHYCARDIA, CATECHOLAMINERGIC POLYMORPHIC, 1, WITH OR WITHOUT ATRIAL DYSFUNCTION AND/OR DILATED CARDIOMYOPATHY; VENTRICULAR TACHYCARDIA, STRESS-INDUCED POLYMORPHIC 1; RYR2-Related Catecholaminergic Polymorphic Ventricular Tachycardia. Identifiers: Orphanet 3286, MedGen C1631597, MONDO:0011484, OMIM 604772.

Submissions (5):

Labcorp Genetics (formerly Invitae), Labcorp
Classification: Uncertain significance for Catecholaminergic polymorphic ventricular tachycardia 1. Last evaluated: 2026-01-05. Review status: criteria provided, single submitter. Criteria: Invitae Variant Classification Sherloc (09022015). Collection method: clinical testing. Allele origin: germline.
Comment: This variant, c.8596_8598del, results in the deletion of 1 amino acid(s) of the RYR2 protein (p.Gly2866del), but otherwise preserves the integrity of the reading frame. This variant is present in population databases (rs771212500, gnomAD 0.002%). This variant has been observed in individual(s) with catecholaminergic polymorphic ventricular tachycardia (PMID: 28237968). Experimental studies and prediction algorithms are not available or were not evaluated, and the functional significance of this variant is currently unknown. Algorithms developed to predict the effect of sequence changes on RNA splicing suggest that this variant may disrupt the consensus splice site. In summary, the available evidence is currently insufficient to determine the role of this variant in disease. Therefore, it has been classified as a Variant of Uncertain Significance.

Ambry Genetics
Classification: Uncertain significance for Cardiovascular phenotype. Last evaluated: 2024-08-09. Review status: criteria provided, single submitter. Criteria: Ambry Variant Classification Scheme 2023. Collection method: clinical testing. Allele origin: germline.
Comment: The c.8596_8598delGGA variant (also known as p.G2866del), located in coding exon 59 of the RYR2 gene, results from an in-frame GGA deletion at nucleotide positions 8596 to 8598. This results in the in-frame deletion of a glycine at codon 2866. This variant has been detected in an individual from a cohort with features of catecholaminergic polymorphic ventricular tachycardia; however, details were limited (Broendberg AK et al. Heart, 2017 Jun;103:901-909). This amino acid position is highly conserved in available vertebrate species. In addition, this alteration is predicted to be deleterious by in silico analysis (Choi Y et al. PLoS ONE. 2012; 7(10):e46688). Based on the available evidence, the clinical significance of this variant remains unclear.

Color Diagnostics, LLC DBA Color Health
Classification: Uncertain significance for Cardiomyopathy. Last evaluated: 2024-06-06. Review status: criteria provided, single submitter. Criteria: ACMG Guidelines, 2015. Collection method: clinical testing. Allele origin: germline.
Comment: This variant causes a deletion of 1 amino acid in the RYR2 protein. To our knowledge, functional studies have not been reported for this variant. This variant has not been reported in individuals affected with cardiovascular disorders in the literature. This variant has been identified in 2/279674 chromosomes in the general population by the Genome Aggregation Database (gnomAD). The available evidence is insufficient to determine the role of this variant in disease conclusively. Therefore, this variant is classified as a Variant of Uncertain Significance.

Blueprint Genetics
Classification: Uncertain significance. Last evaluated: 2023-10-03. Review status: criteria provided, single submitter. Criteria: ACMG Guidelines, 2015. Collection method: clinical testing. Allele origin: germline.

GeneDx
Classification: Uncertain significance. Last evaluated: 2014-08-27. Review status: criteria provided, single submitter. Criteria: GeneDx Variant Classification (06012015). Collection method: clinical testing. Allele origin: germline. Affected: yes.
Comment: c.8596_8598delGGA: p.Gly2866del (G2866del) in exon 59 of the RYR2 gene (NM_001035.2). The normal sequence with the bases that are deleted in braces is AGGA{GGA}AACC. The c.8596_8598delGGA variant has not been published as a mutation, nor has it been reported as a benign polymorphism to our knowledge. The c.8596_8598delGGA variant was not observed in approximately 6000 individuals of European and African American ancestry in the NHLBI Exome Sequencing Project, indicating it is not a common benign variant in these populations. This deletion occurs at a position that is conserved across species. However, nearby mutations have not been reported, and this residue does not reside within any of the three mutation hotspots in the RYR2 gene (Medeiros-Domingo A et al., 2009). This in-frame deletion removes one of three contiguous Glycine residues, and in the absence of functional studies, it is unknown whether removal of this Glycine residue is damaging to the protein. Therefore, it is unclear whether this variant is a pathogenic mutation or a rare benign variant. The variant is found in ARRHYTHMIA panel(s).

Literature cited by the submitters: PubMed 28237968 (cited by Labcorp Genetics (formerly Invitae), Labcorp and Ambry Genetics).

NM_001035.3(RYR2):c.8596_8598del

Gene: RYR2 (ryanodine receptor 2; plus strand). Cytogenetic location: 1q43.
Variant type: Microsatellite.
Coding change: c.8596_8598del on transcript NM_001035.3 (MANE Select); coding-DNA positions 8596 to 8598, 3 bases deleted (GGA; older notation c.8596_8598delGGA).
Molecular consequence: splice acceptor variant.
Genome position (GRCh38, 1-based): chr1:237,674,101-237,674,103, GGA deleted; deleting any 3 consecutive bases within chr1:237,674,094-237,674,103 gives the same sequence; the c. name uses the placement nearest the transcript's 3' end. VCF-style (leftmost placement, unchanged base first): chr1-237674093-TAGG-T. GRCh37 (hg19) VCF-style: chr1-237837393-TAGG-T.
Identifiers: ClinVar variation 201409 (VCV000201409.11), dbSNP rs794728836, ClinGen allele CA011075.